The following is an entry in ClinVar:

NM_001134831.2(AHI1):c.2266G>C (p.Gly756Arg)

Gene: AHI1 (Abelson helper integration site 1; minus strand). Cytogenetic location: 6q23.3.
Variant type: single nucleotide variant.
Coding change: c.2266G>C on transcript NM_001134831.2 (MANE Select); coding-DNA position 2266, G replaced by C.
Protein change: p.Gly756Arg; replaces glycine 756 with arginine.
Molecular consequence: missense variant.
Genome position (GRCh38, 1-based): chr6:135,433,027, C>G on the plus strand (G>C on the coding strand, the complement: AHI1 is on the minus strand). VCF-style: chr6-135433027-C-G. GRCh37 (hg19) VCF-style: chr6-135754165-C-G.
Other names: c.2266G>C, p.Gly756Arg (NM_001134830.2, NM_001134832.2, NM_001350503.2 and 2 more transcripts); short protein forms G756R.
Identifiers: ClinVar variation 2753196 (VCV002753196.5), dbSNP rs376754552, ClinGen allele CA365743349.

ClinVar aggregate classification (germline): Uncertain significance. Review status: criteria provided, multiple submitters, no conflicts (2 of 4 stars). 2 submissions from 2 submitters: Uncertain significance (2). Last evaluated 2025-10-22.

Conditions:
Joubert syndrome. Also called: JOUBERT-BOLTSHAUSER SYNDROME; Familial aplasia of the vermis. Identifiers: Orphanet 475, MedGen C5979921, MONDO:0018772.

Submissions (2):

Dasa
Classification: Uncertain significance. Last evaluated: 2025-10-22. Review status: criteria provided, single submitter. Criteria: DASA Assertion Criteria. Collection method: clinical testing. Allele origin: germline.
Comment: NM_001134831.2(AHI1):c.2266G>C (p.Gly756Arg) is a missense variant that results in the substitution of glycine with arginine. This variant is absent from population databases. Computational prediction algorithms are consistent with a deleterious effect. The currently available literature and clinical evidence are not sufficient to establish a definitive association between this variant and the reported condition. Therefore, this variant is classified as a variant of uncertain significance.

Labcorp Genetics (formerly Invitae), Labcorp
Classification: Uncertain significance for Joubert syndrome. Last evaluated: 2023-08-08. Review status: criteria provided, single submitter. Criteria: Invitae Variant Classification Sherloc (09022015). Collection method: clinical testing. Allele origin: germline.
Comment: In summary, the available evidence is currently insufficient to determine the role of this variant in disease. Therefore, it has been classified as a Variant of Uncertain Significance. Variants that disrupt the consensus splice site are a relatively common cause of aberrant splicing (PMID: 17576681, 9536098). Algorithms developed to predict the effect of sequence changes on RNA splicing suggest that this variant may disrupt the consensus splice site. An algorithm developed to predict the effect of missense changes on protein structure and function (PolyPhen-2) suggests that this variant is likely to be disruptive. This variant has not been reported in the literature in individuals affected with AHI1-related conditions. This variant is not present in population databases (gnomAD no frequency). This sequence change replaces glycine, which is neutral and non-polar, with arginine, which is basic and polar, at codon 756 of the AHI1 protein (p.Gly756Arg). This variant also falls at the last nucleotide of exon 15, which is part of the consensus splice site for this exon.

Literature cited by the submitters: PubMed 17576681 (cited by Labcorp Genetics (formerly Invitae), Labcorp); PubMed 9536098 (cited by Labcorp Genetics (formerly Invitae), Labcorp).